The following is an entry in ClinVar:

NM_001164508.2(NEB):c.2434T>A (p.Trp812Arg)

Gene: NEB (nebulin; minus strand). Cytogenetic location: 2q23.3.
Variant type: single nucleotide variant.
Coding change: c.2434T>A on transcript NM_001164508.2 (MANE Select); coding-DNA position 2434, T replaced by A.
Protein change: p.Trp812Arg; replaces tryptophan 812 with arginine.
Molecular consequence: missense variant.
Genome position (GRCh38, 1-based): chr2:151,687,715, A>T on the plus strand (T>A on the coding strand, the complement: NEB is on the minus strand). VCF-style: chr2-151687715-A-T. GRCh37 (hg19) VCF-style: chr2-152544229-A-T.
Other names: c.2434T>A, p.Trp812Arg (NM_001164507.2, NM_001271208.2, NM_004543.5); short protein forms W812R.
Identifiers: ClinVar variation 3365903 (VCV003365903.1).

ClinVar aggregate classification (germline): Uncertain significance (1 of 4 stars; one submission).

Submission:

GeneDx
Classification: Uncertain significance. Last evaluated: 2023-12-21. Review status: criteria provided, single submitter. Criteria: GeneDx Variant Classification Process June 2021. Collection method: clinical testing. Allele origin: germline. Affected: yes.
Comment: Not observed at significant frequency in large population cohorts (gnomAD); In silico analysis supports that this missense variant has a deleterious effect on protein structure/function; Has not been previously published as pathogenic or benign to our knowledge